The following is an entry in ClinVar:

ClinVar aggregate classification (germline): Benign/Likely benign. Review status: criteria provided, multiple submitters, no conflicts (2 of 4 stars). 3 submissions from 3 submitters: Benign (1); Likely benign (2). Last evaluated 2025-12-08.

Allele frequency attached by ClinVar (database versions not stated): gnomAD exomes 0.00025 and 0.00056; ExAC 0.00125; ESP Exome Variant Server 0.00229; 1000 Genomes Project 0.00240; gnomAD 0.00247 and 0.00260; 1000 Genomes Project 30x 0.00250; TOPMed 0.00278.
gnomAD v4.1: 740 of 1,542,834 alleles (0.048%); highest among the groups gnomAD compares: African/African-American, 0.87%; 4 homozygotes.

Submissions (3):

Labcorp Genetics (formerly Invitae), Labcorp
Classification: Benign. Last evaluated: 2025-12-08. Review status: criteria provided, single submitter. Criteria: Invitae Variant Classification Sherloc (09022015). Collection method: clinical testing. Allele origin: germline.

Mayo Clinic Laboratories, Mayo Clinic
Classification: Likely benign. Last evaluated: 2025-10-15. Review status: criteria provided, single submitter. Criteria: ACMG Guidelines, 2015. Collection method: clinical testing. Allele origin: germline. Observed: 1 variant allele.
Comment: BS1, BP4, BP7

Blueprint Genetics
Classification: Likely benign. Last evaluated: 2024-06-05. Review status: criteria provided, single submitter. Criteria: ACMG Guidelines, 2015. Collection method: clinical testing. Allele origin: germline.

NM_005560.6(LAMA5):c.6760-5C>T

Gene: LAMA5 (laminin subunit alpha 5; minus strand). Cytogenetic location: 20q13.33.
Variant type: single nucleotide variant.
Coding change: c.6760-5C>T on transcript NM_005560.6 (MANE Select); 5 bases into the intron before coding-DNA position 6760, C replaced by T.
Molecular consequence: intron variant.
Genome position (GRCh38, 1-based): chr20:62,319,800, G>A on the plus strand (C>T on the coding strand, the complement: LAMA5 is on the minus strand). VCF-style: chr20-62319800-G-A. GRCh37 (hg19) VCF-style: chr20-60894856-G-A.
Other names: p.?.
Identifiers: ClinVar variation 708010 (VCV000708010.11), dbSNP rs376963987, ClinGen allele CA9941558.